The following is an entry in ClinVar:

NM_003482.4(KMT2D):c.14017A>G (p.Ser4673Gly)

Gene: KMT2D (lysine methyltransferase 2D; minus strand). Cytogenetic location: 12q13.12.
Variant type: single nucleotide variant.
Coding change: c.14017A>G on transcript NM_003482.4 (MANE Select); coding-DNA position 14017, A replaced by G.
Protein change: p.Ser4673Gly; replaces serine 4673 with glycine.
Molecular consequence: missense variant.
Genome position (GRCh38, 1-based): chr12:49,029,459, T>C on the plus strand (A>G on the coding strand, the complement: KMT2D is on the minus strand). VCF-style: chr12-49029459-T-C. GRCh37 (hg19) VCF-style: chr12-49423242-T-C.
Other names: short protein forms S4673G.
Identifiers: ClinVar variation 4992617 (VCV004992617.1).

ClinVar aggregate classification (germline): Uncertain significance (1 of 4 stars; one submission).

Conditions:
KMT2D-related disorder. Also called: KMT2D-Related Disorders.

Submission:

PreventionGenetics, part of Exact Sciences
Classification: Uncertain significance for KMT2D-related condition. Last evaluated: 2025-09-30. Review status: criteria provided, single submitter. Criteria: ACMG Guidelines, 2015. Collection method: clinical testing. Allele origin: germline.
Comment: The KMT2D c.14017A>G variant is predicted to result in the amino acid substitution p.Ser4673Gly. To our knowledge, this variant has not been reported in the literature or in a large population database (gnomAD), indicating this variant is rare. At this time, the clinical significance of this variant is uncertain due to the absence of conclusive functional and genetic evidence.